The following is an entry in ClinVar:

ClinVar aggregate classification (germline): Uncertain significance (1 of 4 stars; one submission).

Conditions:
Inborn genetic diseases. Identifiers: MedGen C0950123, MeSH D030342.

Submission:

Ambry Genetics
Classification: Uncertain significance for Inborn genetic diseases. Last evaluated: 2021-07-15. Review status: criteria provided, single submitter. Criteria: Ambry Variant Classification Scheme 2023. Collection method: clinical testing. Allele origin: germline.
Comment: The p.G256D variant (also known as c.767G>A), located in coding exon 1 of the SMAD6 gene, results from a G to A substitution at nucleotide position 767. The glycine at codon 256 is replaced by aspartic acid, an amino acid with similar properties. This amino acid position is conserved. In addition, this alteration is predicted to be tolerated by in silico analysis. Since supporting evidence is limited at this time, the clinical significance of this alteration remains unclear.

NM_005585.5(SMAD6):c.767G>A (p.Gly256Asp)

Gene: SMAD6 (SMAD family member 6; plus strand). Cytogenetic location: 15q22.31.
Variant type: single nucleotide variant.
Coding change: c.767G>A on transcript NM_005585.5 (MANE Select); coding-DNA position 767, G replaced by A.
Protein change: p.Gly256Asp; replaces glycine 256 with aspartic acid.
Molecular consequence: missense variant. On other transcripts: non-coding transcript variant (1).
Genome position (GRCh38, 1-based): chr15:66,704,025, G>A. VCF-style: chr15-66704025-G-A. GRCh37 (hg19) VCF-style: chr15-66996363-G-A.
Other names: short protein forms G256D.
Identifiers: ClinVar variation 1760111 (VCV001760111.2), dbSNP rs1893050455, ClinGen allele CA392950205.